The following is an entry in ClinVar:

ClinVar aggregate classification (germline): Uncertain significance (1 of 4 stars; one submission).

Conditions:
Tuberous sclerosis 1 (TSC1). Identifiers: Orphanet 805, MedGen C1854465, MONDO:0008612, OMIM 191100.

Submission:

Labcorp Genetics (formerly Invitae), Labcorp
Classification: Uncertain significance for Tuberous sclerosis 1. Last evaluated: 2020-11-03. Review status: criteria provided, single submitter. Criteria: Invitae Variant Classification Sherloc (09022015). Collection method: clinical testing. Allele origin: germline.
Comment: This sequence change replaces proline with glutamine at codon 349 of the TSC1 protein (p.Pro349Gln). The proline residue is highly conserved and there is a moderate physicochemical difference between proline and glutamine. In summary, the available evidence is currently insufficient to determine the role of this variant in disease. Therefore, it has been classified as a Variant of Uncertain Significance. Algorithms developed to predict the effect of missense changes on protein structure and function do not agree on the potential impact of this missense change (SIFT: "Deleterious"; PolyPhen-2: "Probably Damaging"; Align-GVGD: "Class C0"). This variant has not been reported in the literature in individuals with TSC1-related disease. This variant is not present in population databases (ExAC no frequency).

NM_000368.5(TSC1):c.1046C>A (p.Pro349Gln)

Gene: TSC1 (TSC complex subunit 1; minus strand). Cytogenetic location: 9q34.13.
Variant type: single nucleotide variant.
Coding change: c.1046C>A on transcript NM_000368.5 (MANE Select); coding-DNA position 1046, C replaced by A.
Protein change: p.Pro349Gln; replaces proline 349 with glutamine.
Molecular consequence: missense variant.
Genome position (GRCh38, 1-based): chr9:132,911,097, G>T on the plus strand (C>A on the coding strand, the complement: TSC1 is on the minus strand). VCF-style: chr9-132911097-G-T. GRCh37 (hg19) VCF-style: chr9-135786484-G-T.
Other names: c.1046C>A, p.Pro349Gln (NM_001162426.2); c.893C>A, p.Pro298Gln (NM_001162427.2); c.683C>A, p.Pro228Gln (NM_001362177.2); short protein forms P349Q, P298Q, P228Q.
Identifiers: ClinVar variation 534481 (VCV000534481.10), dbSNP rs1554817268, ClinGen allele CA375367839.
Genomic context (GRCh38, chr9:132,911,097, plus strand): 5'-AGATCAGGTGGGACATTTCCAGGAGAAGTTGGAGGAGTGGTCATACCACAAACCATAGAT[G>T]GGCTCCAAAGAGTAGCCTGGGAAGTTAATAAAGTACATCAGCAGTGGCAAAGGAATGCTA-3'
Protein context (NP_000359.1, residues 339-359): TEPPQATLWS[Pro349Gln]SMVCGMTTPP